The following is an entry in ClinVar:

ClinVar aggregate classification (germline): Uncertain significance (1 of 4 stars; one submission).

Allele frequency attached by ClinVar (database versions not stated): TOPMed below 0.00001; gnomAD 0.00001; gnomAD exomes 0.00003; ExAC 0.00005.
gnomAD v4.1: 18 of 1,565,182 alleles (0.0012%); highest among the groups gnomAD compares: South Asian, 0.01%; no homozygotes.

Submission:

Labcorp Genetics (formerly Invitae), Labcorp
Classification: Uncertain significance. Last evaluated: 2022-11-01. Review status: criteria provided, single submitter. Criteria: Invitae Variant Classification Sherloc (09022015). Collection method: clinical testing. Allele origin: germline.
Comment: This variant has not been reported in the literature in individuals affected with CFAP410-related conditions. In summary, the available evidence is currently insufficient to determine the role of this variant in disease. Therefore, it has been classified as a Variant of Uncertain Significance. Algorithms developed to predict the effect of missense changes on protein structure and function (SIFT, PolyPhen-2, Align-GVGD) all suggest that this variant is likely to be tolerated. ClinVar contains an entry for this variant (Variation ID: 1491485). This variant is present in population databases (rs766177483, gnomAD 0.02%). This sequence change replaces glutamic acid, which is acidic and polar, with lysine, which is basic and polar, at codon 256 of the CFAP410 protein (p.Glu256Lys).

NM_004928.3(CFAP410):c.766G>A (p.Glu256Lys)

Gene: CFAP410 (cilia and flagella associated protein 410; minus strand). Cytogenetic location: 21q22.3.
Variant type: single nucleotide variant.
Coding change: c.766G>A on transcript NM_004928.3 (MANE Select); coding-DNA position 766, G replaced by A.
Protein change: p.Glu256Lys; replaces glutamic acid 256 with lysine.
Molecular consequence: missense variant.
Genome position (GRCh38, 1-based): chr21:44,330,203, C>T on the plus strand (G>A on the coding strand, the complement: CFAP410 is on the minus strand). VCF-style: chr21-44330203-C-T. GRCh37 (hg19) VCF-style: chr21-45750086-C-T.
Other names: c.763G>A, p.Glu255Lys (NM_001271440.2); c.1123G>A, p.Glu375Lys (NM_001271441.2); c.640G>A, p.Glu214Lys (NM_001271442.1); short protein forms E255K, E375K, E214K, E256K.
Identifiers: ClinVar variation 1491485 (VCV001491485.8), dbSNP rs766177483, ClinGen allele CA10053463.
Genomic context (GRCh38, chr21:44,330,203, plus strand): 5'-CTGGGGAAGACGCTGGGGTCCCCGTGGAGGCTGGAGCGGCGTTCAGGTCCTGCGGTCACT[C>T]GGCGTGCTCCTGCACCTCTTCCCCACGCAGGGCCTGCAGCCGGCTGCCCACAGTCTGCTG-3'
Protein context (NP_004919.1, residues 246-256): LRGEEVQEHA[Glu256Lys]